The following is an entry in ClinVar:

ClinVar aggregate classification (germline): Uncertain significance (1 of 4 stars; one submission).

Submission:

Labcorp Genetics (formerly Invitae), Labcorp
Classification: Uncertain significance. Last evaluated: 2025-12-15. Review status: criteria provided, single submitter. Criteria: Invitae Variant Classification Sherloc (09022015). Collection method: clinical testing. Allele origin: germline.
Comment: This sequence change replaces proline, which is neutral and non-polar, with leucine, which is neutral and non-polar, at codon 607 of the CHD8 protein (p.Pro607Leu). This variant is not present in population databases (gnomAD no frequency). This variant has not been reported in the literature in individuals affected with CHD8-related conditions. ClinVar contains an entry for this variant (Variation ID: 2114247). Invitae Evidence Modeling of protein sequence and biophysical properties (such as structural, functional, and spatial information, amino acid conservation, physicochemical variation, residue mobility, and thermodynamic stability) indicates that this missense variant is not expected to disrupt CHD8 protein function with a negative predictive value of 95%. In summary, the available evidence is currently insufficient to determine the role of this variant in disease. Therefore, it has been classified as a Variant of Uncertain Significance.

NM_001170629.2(CHD8):c.1820C>T (p.Pro607Leu)

Gene: CHD8 (chromodomain helicase DNA binding protein 8; minus strand). Cytogenetic location: 14q11.2.
Variant type: single nucleotide variant.
Coding change: c.1820C>T on transcript NM_001170629.2 (MANE Select); coding-DNA position 1820, C replaced by T.
Protein change: p.Pro607Leu; replaces proline 607 with leucine.
Molecular consequence: missense variant.
Genome position (GRCh38, 1-based): chr14:21,415,804, G>A on the plus strand (C>T on the coding strand, the complement: CHD8 is on the minus strand). VCF-style: chr14-21415804-G-A. GRCh37 (hg19) VCF-style: chr14-21883963-G-A.
Other names: c.983C>T, p.Pro328Leu (NM_020920.4); short protein forms P328L, P607L.
Identifiers: ClinVar variation 2114247 (VCV002114247.4), dbSNP rs2501954284, ClinGen allele CA388879689.